The following is an entry in ClinVar:

ClinVar aggregate classification (germline): Likely benign (1 of 4 stars; one submission).

Allele frequency attached by ClinVar (database versions not stated): ExAC 0.00003.

Submission:

CeGaT Center for Human Genetics Tuebingen
Classification: Likely benign. Last evaluated: 2023-04-01. Review status: criteria provided, single submitter. Criteria: CeGaT Center For Human Genetics Tuebingen Variant Classification Criteria Version 2. Collection method: clinical testing. Allele origin: germline. Affected: yes. Observed: 2 variant alleles.
Comment: NUTM2G: BP4, BP7, BS2

NM_001170741.3(NUTM2G):c.1710C>G (p.Pro570=)

Gene: NUTM2G (NUT family member 2G; plus strand). Cytogenetic location: 9q22.33.
Variant type: single nucleotide variant.
Coding change: c.1710C>G on transcript NM_001170741.3 (MANE Select); coding-DNA position 1710, C replaced by G.
Protein change: p.Pro570=; no amino-acid change (proline 570 retained).
Molecular consequence: synonymous variant. On other transcripts: intron variant (1).
Genome position (GRCh38, 1-based): chr9:96,938,633, C>G. VCF-style: chr9-96938633-C-G. GRCh37 (hg19) VCF-style: chr9-99700915-C-G.
Other names: c.1440+632C>G (NM_001045477.4).
Identifiers: ClinVar variation 2659326 (VCV002659326.24), dbSNP rs756169883, ClinGen allele CA5143766.